The following is an entry in ClinVar:

ClinVar aggregate classification (germline): Uncertain significance (1 of 4 stars; one submission).

Conditions:
Familial cancer of breast. Also called: BREAST CANCER, FAMILIAL; hereditary breast carcinoma; Hereditary breast cancer. Identifiers: Orphanet 227535, MedGen C0346153, MONDO:0016419, OMIM 114480. Disease mechanism: loss of function.

Submission:

KCCC/NGS Laboratory, Kuwait Cancer Control Center
Classification: Uncertain significance for Familial cancer of breast. Last evaluated: 2025-12-15. Review status: criteria provided, single submitter. Criteria: ACMG Guidelines, 2015. Collection method: clinical testing. Allele origin: germline. Inheritance: Autosomal dominant inheritance. Affected: yes.
Comment: A novel variant of uncertain significance was detected in ATM gene ( c.4958A>C, NM_000051.3). This sequence change replaces glutamine with proline at codon 1653 of the ATM protein (p.Gln1653Pro). The glutamine residue is moderately conserved (PhyloP=6.44). . This variant is not present in population databases (gnomAD genomes). This variant has not been reported in the literature in individuals with ATM-related conditions. This variant not reported in ClinVar Database. Algorithms developed to predict the effect of missense changes on protein structure and function (SIFT and PolyPhen-2) all suggest that this variant is likely to be tolerated, but these predictions have not been confirmed by published functional studies and their clinical significance is uncertain. In summary, the available evidence is currently insufficient to determine the role of this variant in disease. Therefore, it has been classified as a Variant of Uncertain Significance. The diagnosis of hereditary cancer syndrome is not confirmed.

NM_000051.4(ATM):c.4958A>C (p.Gln1653Pro)

Gene: ATM (ATM serine/threonine kinase; plus strand). Cytogenetic location: 11q22.3.
Variant type: single nucleotide variant.
Coding change: c.4958A>C on transcript NM_000051.4 (MANE Select); coding-DNA position 4958, A replaced by C.
Protein change: p.Gln1653Pro; replaces glutamine 1653 with proline.
Molecular consequence: missense variant.
Genome position (GRCh38, 1-based): chr11:108,297,335, A>C. VCF-style: chr11-108297335-A-C. GRCh37 (hg19) VCF-style: chr11-108168062-A-C.
Other names: c.4958A>C, p.Gln1653Pro (NM_001351834.2); short protein forms Q1653P.
Identifiers: ClinVar variation 4686565 (VCV004686565.1).
Genomic context (GRCh38, chr11:108,297,335, plus strand): 5'-AATTATTTCTAGATAATCCGCAAGATGGGATTATGGTGAAACTAGTTGTCAATTTGTTGC[A>C]GTTATCCAAGATGGCAATAAACCACACTGGTGAAAAAGAAGTTCTAGGTAAACTACAGTC-3'
Protein context (NP_000042.3, residues 1643-1663): IMVKLVVNLL[Gln1653Pro]LSKMAINHTG